The following is an entry in ClinVar:

NM_000170.3(GLDC):c.395C>T (p.Ser132Leu)

Gene: GLDC (glycine decarboxylase; minus strand). Cytogenetic location: 9p24.1.
Variant type: single nucleotide variant.
Coding change: c.395C>T on transcript NM_000170.3 (MANE Select); coding-DNA position 395, C replaced by T.
Protein change: p.Ser132Leu; replaces serine 132 with leucine.
Molecular consequence: missense variant.
Genome position (GRCh38, 1-based): chr9:6,620,259, G>A on the plus strand (C>T on the coding strand, the complement: GLDC is on the minus strand). VCF-style: chr9-6620259-G-A. GRCh37 (hg19) VCF-style: chr9-6620259-G-A.
Other names: short protein forms S132L.
Identifiers: ClinVar variation 945637 (VCV000945637.10), dbSNP rs386833576, ClinGen allele CA4981165.

ClinVar aggregate classification (germline): Pathogenic. Review status: criteria provided, multiple submitters, no conflicts (2 of 4 stars). 4 submissions from 4 submitters: Pathogenic (4). Last evaluated 2024-05-21.

Conditions:
Glycine encephalopathy 1 (GCE1). Identifiers: MedGen CN376801, MONDO:0958179, OMIM 605899.
GLDC-related disorders.
Glycine encephalopathy. Also called: Nonketotic hyperglycinemia; Non-ketotic hyperglycinemia. Identifiers: Orphanet 407, MedGen C0751748, MONDO:0011612, HP:0008288.

Allele frequency attached by ClinVar (database versions not stated): ExAC 0.00001; gnomAD exomes 0.00001.

Submissions (4):

Blueprint Genetics
Classification: Pathogenic for GLDC-related disorders. Last evaluated: 2024-05-21. Review status: criteria provided, single submitter. Criteria: ACMG Guidelines, 2015. Collection method: clinical testing. Allele origin: germline. Affected: yes. Observed: 2 variant alleles.

Labcorp Genetics (formerly Invitae), Labcorp
Classification: Pathogenic for Glycine encephalopathy. Last evaluated: 2024-03-13. Review status: criteria provided, single submitter. Criteria: Invitae Variant Classification Sherloc (09022015). Collection method: clinical testing. Allele origin: germline.
Comment: This sequence change replaces serine, which is neutral and polar, with leucine, which is neutral and non-polar, at codon 132 of the GLDC protein (p.Ser132Leu). This variant is present in population databases (rs386833576, gnomAD 0.002%). This missense change has been observed in individual(s) with glycine encephalopathy (PMID: 26179960). In at least one individual the data is consistent with being in trans (on the opposite chromosome) from a pathogenic variant. ClinVar contains an entry for this variant (Variation ID: 945637). Advanced modeling of protein sequence and biophysical properties (such as structural, functional, and spatial information, amino acid conservation, physicochemical variation, residue mobility, and thermodynamic stability) performed at Invitae indicates that this missense variant is expected to disrupt GLDC protein function with a positive predictive value of 80%. Experimental studies have shown that this missense change affects GLDC function (PMID: 26179960). For these reasons, this variant has been classified as Pathogenic.

Fulgent Genetics
Classification: Pathogenic for Glycine encephalopathy 1. Last evaluated: 2024-02-07. Review status: criteria provided, single submitter. Criteria: ACMG Guidelines, 2015. Collection method: clinical testing. Allele origin: germline.

Women's Health and Genetics/Laboratory Corporation of America, LabCorp
Classification: Pathogenic for Glycine encephalopathy. Last evaluated: 2023-03-30. Review status: criteria provided, single submitter. Criteria: LabCorp Variant Classification Summary - May 2015. Collection method: clinical testing. Allele origin: germline.
Comment: Variant summary: GLDC c.395C>T (p.Ser132Leu) results in a non-conservative amino acid change in the encoded protein sequence. Five of five in-silico tools predict a damaging effect of the variant on protein function. The variant allele was found at a frequency of 8e-06 in 251492 control chromosomes (gnomAD). c.395C>T has been reported in the literature in multiple individuals affected with Glycine Encephalopathy (Non-Ketotic Hyperglycinemia) (example: Coughlin_2017). These data indicate that the variant is very likely to be associated with disease. One clinical diagnostic laboratory has submitted clinical-significance assessments for this variant to ClinVar after 2014 and classified the variant as pathogenic. Based on the evidence outlined above, the variant was classified as pathogenic.

Literature cited by the submitters: PubMed 26179960 (cited by Labcorp Genetics (formerly Invitae), Labcorp); PubMed 27362913 (cited by Women's Health and Genetics/Laboratory Corporation of America, LabCorp).